The following is an entry in ClinVar:

NM_198252.3(GSN):c.1769T>C (p.Phe590Ser)

Gene: GSN (gelsolin; plus strand). Cytogenetic location: 9q33.2.
Variant type: single nucleotide variant.
Coding change: c.1769T>C on transcript NM_198252.3 (MANE Select); coding-DNA position 1769, T replaced by C.
Protein change: p.Phe590Ser; replaces phenylalanine 590 with serine.
Molecular consequence: missense variant.
Genome position (GRCh38, 1-based): chr9:121,328,897, T>C. VCF-style: chr9-121328897-T-C. GRCh37 (hg19) VCF-style: chr9-124091175-T-C.
Other names: c.1922T>C, p.Phe641Ser (NM_000177.5); c.1769T>C, p.Phe590Ser (NM_001127662.2, NM_001127664.2, NM_001127665.2 and 10 more transcripts); c.1877T>C, p.Phe626Ser (NM_001127663.2); c.1802T>C, p.Phe601Ser (NM_001127666.2, NM_001127667.2, NM_001353063.2 and 13 more transcripts); c.1820T>C, p.Phe607Ser (NM_001258029.2); c.1793T>C, p.Phe598Ser (NM_001258030.2); c.1841T>C, p.Phe614Ser (NM_001353076.2); c.1115T>C, p.Phe372Ser (NM_001353078.2); short protein forms F601S, F614S, F372S, F598S, F607S, F626S, F590S, F641S.
Identifiers: ClinVar variation 1782710 (VCV001782710.2), dbSNP rs755154034, ClinGen allele CA5221416.

ClinVar aggregate classification (germline): Uncertain significance (1 of 4 stars; one submission).

Conditions:
Inborn genetic diseases. Identifiers: MedGen C0950123, MeSH D030342.

Allele frequency attached by ClinVar (database versions not stated): gnomAD exomes below 0.00001; ExAC 0.00001.
gnomAD v4.1: 8 of 1,611,448 alleles (0.0005%); highest among the groups gnomAD compares: Non-Finnish European, 0.00051%; no homozygotes.

Submission:

Ambry Genetics
Classification: Uncertain significance for Inborn genetic diseases. Last evaluated: 2021-09-12. Review status: criteria provided, single submitter. Criteria: Ambry Variant Classification Scheme 2023. Collection method: clinical testing. Allele origin: germline.
Comment: The p.F641S variant (also known as c.1922T>C), located in coding exon 14 of the GSN gene, results from a T to C substitution at nucleotide position 1922. The phenylalanine at codon 641 is replaced by serine, an amino acid with highly dissimilar properties. This amino acid position is conserved. In addition, this alteration is predicted to be deleterious by in silico analysis. Since supporting evidence is limited at this time, the clinical significance of this alteration remains unclear.